The following is an entry in ClinVar:

NM_000184.3(HBG2):c.202G>A (p.Val68Met)

Genes: HBG2 (hemoglobin subunit gamma 2; minus strand), LOC106099065 (HBG2 recombination region; plus strand). Cytogenetic location: 11p15.4.
Variant type: single nucleotide variant.
Coding change: c.202G>A on transcript NM_000184.3 (MANE Select); coding-DNA position 202, G replaced by A.
Protein change: p.Val68Met; replaces valine 68 with methionine.
Molecular consequence: missense variant.
Genome position (GRCh38, 1-based): chr11:5,254,405, C>T on the plus strand (G>A on the coding strand, the complement: HBG2 is on the minus strand). VCF-style: chr11-5254405-C-T. GRCh37 (hg19) VCF-style: chr11-5275635-C-T.
Other names: V67M; short protein forms V68M.
Identifiers: ClinVar variation 29753 (VCV000029753.3), dbSNP rs587776864, ClinGen allele CA128617.

ClinVar aggregate classification (germline): Likely pathogenic. Review status: criteria provided, single submitter (1 of 4 stars). 2 submissions from 2 submitters: Likely pathogenic (1). 1 of the submissions does not count toward it. Last evaluated 2025-03-05.

Conditions:
Cyanosis, transient neonatal (TNCY). Also called: CYANOSIS, TRANSIENT NEONATEL. Identifiers: Orphanet 280615, MedGen C3151421, MONDO:0013511, OMIM 613977.

Submissions (2):

ARUP Laboratories, Molecular Genetics and Genomics, ARUP Laboratories
Classification: Likely pathogenic. Last evaluated: 2025-03-05. Review status: criteria provided, single submitter. Criteria: ARUP Molecular Germline Variant Investigation Process 2024. Collection method: clinical testing. Allele origin: germline.
Comment: The Hb F-M Toms River (HBG2 c.202G>A; p.Val68Met variant, also known as Hb F-M Heuried, rs587776864, ClinVar Variation ID: 29753, HbVar ID: 2931) is reported in the literature in a father and daughter affected with transient neonatal cyanosis and anemia, additionally this variant showed decreased oxygen affinity (Crowley 2011). This variant is absent from the Genome Aggregation Database (v2.1.1), indicating it is not a common polymorphism. Computational analyses predict that this variant is deleterious (REVEL: 0.719). Based on available information, this variant is considered to be likely pathogenic. References: Link to HbVar database: Crowley MA et al. A hemoglobin variant associated with neonatal cyanosis and anemia. N Engl J Med. 2011 May 12;364(19):1837-43. PMID: 21561349.

OMIM
Classification: Pathogenic for CYANOSIS, TRANSIENT NEONATAL. Last evaluated: 2011-05-12. Review status: no assertion criteria provided. Collection method: literature only. Allele origin: germline. Not counted in ClinVar's aggregate classification.

Literature cited by the submitters: PubMed 21561349 (cited by OMIM).